The following is an entry in ClinVar:

ClinVar aggregate classification (germline): Uncertain significance (1 of 4 stars; one submission).

gnomAD v4.1: 16 of 1,613,860 alleles (0.00099%); highest among the groups gnomAD compares: Admixed American, 0.0067%; no homozygotes.

Submission:

Labcorp Genetics (formerly Invitae), Labcorp
Classification: Uncertain significance. Last evaluated: 2022-05-05. Review status: criteria provided, single submitter. Criteria: Invitae Variant Classification Sherloc (09022015). Collection method: clinical testing. Allele origin: germline.
Comment: This variant is present in population databases (rs141818688, gnomAD 0.008%). This sequence change replaces arginine, which is basic and polar, with glutamine, which is neutral and polar, at codon 3661 of the HMCN1 protein (p.Arg3661Gln). This variant has not been reported in the literature in individuals affected with HMCN1-related conditions. In summary, the available evidence is currently insufficient to determine the role of this variant in disease. Therefore, it has been classified as a Variant of Uncertain Significance. Algorithms developed to predict the effect of missense changes on protein structure and function output the following: SIFT: "Tolerated"; PolyPhen-2: "Benign"; Align-GVGD: "Class C0". The glutamine amino acid residue is found in multiple mammalian species, which suggests that this missense change does not adversely affect protein function.

NM_031935.3(HMCN1):c.10982G>A (p.Arg3661Gln)

Gene: HMCN1 (hemicentin 1; plus strand). Cytogenetic location: 1q31.1.
Variant type: single nucleotide variant.
Coding change: c.10982G>A on transcript NM_031935.3 (MANE Select); coding-DNA position 10982, G replaced by A.
Protein change: p.Arg3661Gln; replaces arginine 3661 with glutamine.
Molecular consequence: missense variant.
Genome position (GRCh38, 1-based): chr1:186,108,590, G>A. VCF-style: chr1-186108590-G-A. GRCh37 (hg19) VCF-style: chr1-186077722-G-A.
Other names: short protein forms R3661Q.
Identifiers: ClinVar variation 2160612 (VCV002160612.4), dbSNP rs141818688, ClinGen allele CA1293876.
Genomic context (GRCh38, chr1:186,108,590, plus strand): 5'-TGGAATGCAAGTCAGATGCAGTGCCCCCACCTGTAATTACTTGGCTCAGAAATGGAGAAC[G>A]GTTACAGGTAAATTTTTTGATAAGCTCCACAAATTCCTTTTTGAGATGAAAAAAGTAAAA-3'
Protein context (NP_114141.2, residues 3651-3671): PVITWLRNGE[Arg3661Gln]LQATPRVRIL